The following is an entry in ClinVar:

ClinVar aggregate classification (germline): Uncertain significance (1 of 4 stars; one submission).

Conditions:
Oculofaciocardiodental syndrome (MCOPS2). Identifiers: Orphanet 2712, MedGen C1846265, MONDO:0010261, OMIM 300166.

gnomAD v4.1: 2 of 1,210,609 alleles (0.00017%); highest among the groups gnomAD compares: Admixed American, 0.0022%; no homozygotes.

Submission:

Labcorp Genetics (formerly Invitae), Labcorp
Classification: Uncertain significance for Oculofaciocardiodental syndrome. Last evaluated: 2025-12-23. Review status: criteria provided, single submitter. Criteria: Invitae Variant Classification Sherloc (09022015). Collection method: clinical testing. Allele origin: germline.
Comment: This sequence change replaces aspartic acid, which is acidic and polar, with glutamic acid, which is acidic and polar, at codon 1634 of the BCOR protein (p.Asp1634Glu). This variant is not present in population databases (gnomAD no frequency). This variant has not been reported in the literature in individuals affected with BCOR-related conditions. Invitae Evidence Modeling of protein sequence and biophysical properties (such as structural, functional, and spatial information, amino acid conservation, physicochemical variation, residue mobility, and thermodynamic stability) indicates that this missense variant is not expected to disrupt BCOR protein function with a negative predictive value of 80%. In summary, the available evidence is currently insufficient to determine the role of this variant in disease. Therefore, it has been classified as a Variant of Uncertain Significance.

NM_001123385.2(BCOR):c.5004T>A (p.Asp1668Glu)

Gene: BCOR (BCL6 corepressor; minus strand). Cytogenetic location: Xp11.4.
Variant type: single nucleotide variant.
Coding change: c.5004T>A on transcript NM_001123385.2 (MANE Select); coding-DNA position 5004, T replaced by A.
Protein change: p.Asp1668Glu; replaces aspartic acid 1668 with glutamic acid.
Molecular consequence: missense variant. On other transcripts: 3 prime UTR variant (1).
Genome position (GRCh38, 1-based): chrX:40,052,373, A>T on the plus strand (T>A on the coding strand, the complement: BCOR is on the minus strand). VCF-style: chrX-40052373-A-T. GRCh37 (hg19) VCF-style: chrX-39911626-A-T.
Other names: c.4902T>A, p.Asp1634Glu (NM_001123383.2, NM_001438208.1, NM_017745.6); c.4848T>A, p.Asp1616Glu (NM_001123384.2); c.5004T>A, p.Asp1668Glu (NM_001437510.1); c.*72T>A (NM_001437511.1); c.4950T>A, p.Asp1650Glu (NM_001438207.1); short protein forms D1634E, D1650E, D1616E, D1668E.
Identifiers: ClinVar variation 4751429 (VCV004751429.1).